The following is an entry in ClinVar:

NM_001365276.2(TNXB):c.7943G>A (p.Trp2648Ter)

Gene: TNXB (tenascin XB; minus strand). Cytogenetic location: 6p21.33.
Variant type: single nucleotide variant.
Coding change: c.7943G>A on transcript NM_001365276.2 (MANE Select); coding-DNA position 7943, G replaced by A.
Protein change: p.Trp2648Ter; replaces tryptophan 2648 with a stop codon.
Molecular consequence: nonsense.
Genome position (GRCh38, 1-based): chr6:32,056,786, C>T on the plus strand (G>A on the coding strand, the complement: TNXB is on the minus strand). VCF-style: chr6-32056786-C-T. GRCh37 (hg19) VCF-style: chr6-32024563-C-T.
Other names: p.W2648*; c.7943G>A, p.Trp2648Ter (NM_019105.8); short protein forms W2648*.
Identifiers: ClinVar variation 1342141 (VCV001342141.5), dbSNP rs968981994, ClinGen allele CA136906119.

ClinVar aggregate classification (germline): Pathogenic. Review status: criteria provided, multiple submitters, no conflicts (2 of 4 stars). 3 submissions from 3 submitters: Pathogenic (3). Last evaluated 2026-08-13.

Conditions:
Cardiovascular phenotype. Identifiers: MedGen CN230736.
Ehlers-Danlos syndrome due to tenascin-X deficiency (EDSCLL1). Also called: TNX DEFICIENCY; EHLERS-DANLOS SYNDROME, CLASSIC-LIKE; Ehlers-Danlos syndrome, classic-like, 1; EDS DUE TO TNX DEFICIENCY; TNXB-Related Classical-Like Ehlers-Danlos Syndrome. Identifiers: Orphanet 230839, MedGen C1848029, MONDO:0011670, OMIM 606408.
TNXB-related hypermobile Ehlers-Danlos syndrome.

Allele frequency attached by ClinVar (database versions not stated): TOPMed below 0.00001; gnomAD exomes 0.00001.
gnomAD v4.1: 9 of 1,613,310 alleles (0.00056%); highest among the groups gnomAD compares: Non-Finnish European, 0.00076%; no homozygotes.

Submissions (3):

Ambry Genetics
Classification: Pathogenic for Cardiovascular phenotype. Last evaluated: 2026-08-13. Review status: criteria provided, single submitter. Criteria: Ambry Variant Classification Scheme 2023. Collection method: clinical testing. Allele origin: germline.
Comment: The p.W2648* pathogenic mutation (also known as c.7943G>A), located in coding exon 22 of the TNXB gene, results from a G to A substitution at nucleotide position 7943. This changes the amino acid from a tryptophan to a stop codon within coding exon 22. This variant is considered to be rare based on population cohorts in the Genome Aggregation Database (gnomAD). This alteration is expected to result in loss of function by premature protein truncation or nonsense-mediated mRNA decay. As such, this alteration is interpreted as a disease-causing mutation.

Myriad Genetics, Inc.
Classification: Pathogenic for Ehlers-Danlos syndrome due to tenascin-X deficiency. Last evaluated: 2024-12-22. Review status: criteria provided, single submitter. Criteria: Myriad Autosomal Dominant, Autosomal Recessive and X-Linked Classification Criteria (2023). Collection method: clinical testing. Allele origin: unknown.
Comment: NM_019105.6(TNXB):c.7943G>A(W2648*) is expected to be pathogenic in the context of classical-like Ehlers-Danlos syndrome, TNXB-related. This variant is predicted to lead to an abnormal or absent protein product due to the creation of a premature termination codon in TNXB, a gene where loss-of-function variants are known to be pathogenic. Please note: this variant was assessed in the context of healthy population screening.

Undiagnosed Diseases Network, NIH
Classification: Pathogenic for TNXB-related hypermobile Ehlers-Danlos syndrome. Last evaluated: 2020-12-30. Review status: criteria provided, single submitter. Criteria: ACMG Guidelines, 2015. Collection method: clinical testing. Allele origin: paternal. Inheritance: Autosomal dominant inheritance. Affected: yes. Observed: 1 variant allele, 1 heterozygote. Study: Undiagnosed Diseases Network (NIH), UDN.